The following is an entry in ClinVar:

ClinVar aggregate classification (germline): Uncertain significance (1 of 4 stars; one submission).

Conditions:
Hypoplastic enamel-onycholysis-hypohidrosis syndrome (TNS). Also called: NAIL DYSPLASIA WITH HYPODONTIA; ECTODERMAL DYSPLASIA 3, TOOTH/NAIL TYPE; WITKOP SYNDROME; ECTODERMAL DYSPLASIA 3, WITKOP TYPE; Tooth-and-Nail Syndrome. Identifiers: Orphanet 2228, MedGen C0406735, MONDO:0008582, OMIM 189500.

Submission:

Labcorp Genetics (formerly Invitae), Labcorp
Classification: Uncertain significance for Hypoplastic enamel-onycholysis-hypohidrosis syndrome. Last evaluated: 2025-10-23. Review status: criteria provided, single submitter. Criteria: Invitae Variant Classification Sherloc (09022015). Collection method: clinical testing. Allele origin: germline.
Comment: This sequence change replaces proline, which is neutral and non-polar, with leucine, which is neutral and non-polar, at codon 248 of the MSX1 protein (p.Pro248Leu). The frequency data for this variant in the population databases is considered unreliable, as metrics indicate poor data quality at this position in the gnomAD database. This variant has not been reported in the literature in individuals affected with MSX1-related conditions. Invitae Evidence Modeling of protein sequence and biophysical properties (such as structural, functional, and spatial information, amino acid conservation, physicochemical variation, residue mobility, and thermodynamic stability) has been performed for this missense variant. However, the output from this modeling did not meet the statistical confidence thresholds required to predict the impact of this variant on MSX1 protein function. In summary, the available evidence is currently insufficient to determine the role of this variant in disease. Therefore, it has been classified as a Variant of Uncertain Significance.

NM_002448.3(MSX1):c.743C>T (p.Pro248Leu)

Gene: MSX1 (msh homeobox 1; plus strand). Cytogenetic location: 4p16.2.
Variant type: single nucleotide variant.
Coding change: c.743C>T on transcript NM_002448.3 (MANE Select); coding-DNA position 743, C replaced by T.
Protein change: p.Pro248Leu; replaces proline 248 with leucine.
Molecular consequence: missense variant.
Genome position (GRCh38, 1-based): chr4:4,862,974, C>T. VCF-style: chr4-4862974-C-T. GRCh37 (hg19) VCF-style: chr4-4864701-C-T.
Other names: short protein forms P248L.
Identifiers: ClinVar variation 4751728 (VCV004751728.1).